The following is an entry in ClinVar:

Conditions:
Breast-ovarian cancer, familial, susceptibility to, 1 (BROVCA1). Also called: BRCA1 Hereditary Breast and Ovarian Cancer; OVARIAN CANCER, SUSCEPTIBILITY TO. Identifiers: Orphanet 145, MedGen C2676676, MONDO:0011450, OMIM 604370. Disease mechanism: loss of function.

Submission:

Brotman Baty Institute, University of Washington
No classification provided (evidence only). Condition: Breast-ovarian cancer, familial 1. Review status: no classification provided. Collection method: in vitro. Allele origin: not applicable. Functional consequence: functionally_normal.
ClinVar note: "not provided" was previously submitted as the classification for the variant. However, the classification appeared to be based only on an observation of functional data so it was converted to no classification on 2025-07-30.

NM_007294.4(BRCA1):c.11C>G (p.Ser4Cys)

Gene: BRCA1 (BRCA1 DNA repair associated; minus strand). Cytogenetic location: 17q21.31.
Variant type: single nucleotide variant.
Coding change: c.11C>G on transcript NM_007294.4 (MANE Select); coding-DNA position 11, C replaced by G.
Protein change: p.Ser4Cys; replaces serine 4 with cysteine.
Molecular consequence: missense variant. On other transcripts: 5 prime UTR variant (1), non-coding transcript variant (1).
Genome position (GRCh38, 1-based): chr17:43,124,086, G>C on the plus strand (C>G on the coding strand, the complement: BRCA1 is on the minus strand). VCF-style: chr17-43124086-G-C. GRCh37 (hg19) VCF-style: chr17-41276103-G-C.
Other names: c.-178C>G (NM_001407853.1, NM_001407879.1, NM_001407882.1 and 46 more transcripts); c.11C>G, p.Ser4Cys (NM_001407854.1, NM_001407858.1, NM_001407859.1 and 193 more transcripts); c.-124C>G (NM_001407881.1, NM_001407898.1, NM_001407902.1); c.-294C>G (NM_001407889.1, NM_001408492.1); c.-297C>G (NM_001407917.1, NM_001407954.1, NM_001408513.1); c.-276C>G (NM_001407920.1, NM_001407697.1, NM_001407846.1); c.-250C>G (NM_001407921.1, NM_001407923.1, NM_001407927.1 and 22 more transcripts); c.-77C>G (NM_001407924.1, NM_001407925.1, NM_001407928.1 and 23 more transcripts); and 8 more; short protein forms S4C.
Identifiers: ClinVar variation 864992 (VCV000864992.3), dbSNP rs786203152, ClinGen allele CA10602136.